The following is an entry in ClinVar:

ClinVar aggregate classification (germline): Pathogenic/Likely pathogenic. Review status: criteria provided, multiple submitters, no conflicts (2 of 4 stars). 2 submissions from 2 submitters: Pathogenic (1); Likely pathogenic (1). Last evaluated 2023-08-08.

Conditions:
Multiple endocrine neoplasia, type 2 (MEN2). Identifiers: Orphanet 653, MedGen C4048306, MONDO:0019003. Disease mechanism: gain of function.
Multiple endocrine neoplasia type 2A. Also called: Pheochromocytoma and amyloid producing medullary thyroid carcinoma; Multiple Endocrine Neoplasia Type 2A (MEN2A); MULTIPLE ENDOCRINE NEOPLASIA, TYPE IIA; PTC SYNDROME; SIPPLE SYNDROME; MEN 2A. Identifiers: Orphanet 247698, Orphanet 653, MedGen C0025268, MeSH D018813, MONDO:0008234, OMIM 171400.

Submissions (2):

All of Us Research Program, National Institutes of Health
Classification: Likely pathogenic for Multiple endocrine neoplasia, type 2. Last evaluated: 2023-08-08. Review status: criteria provided, single submitter. Criteria: ACMG Guidelines, 2015. Collection method: clinical testing. Allele origin: germline. Inheritance: Autosomal dominant inheritance. Observed: 1 variant allele, 1 heterozygote.
Comment: This missense variant replaces glutamic acid with aspartic acid at codon 768 of the RET protein. The variant is a multi-nucleotide variant (MNV) incorporating the single nucleotide variant c.2304G>C (p.Glu768Asp) and resulting in the same protein consequence. Computational prediction suggests that this variant may have deleterious impact on protein structure and function (internally defined REVEL score threshold >= 0.7, PMID: 27666373). Functional studies have found that this protein change resulted in intermediate transforming activity for inducing ectopic cellular growth ex vivo and variable activation of RET kinase activity and autophosphorylation (PMID: 9242375,10445857,14715928,17047083). However, the transforming activity of this change has been shown to increase synergistically in combination with a second in cis RET variant, p.Ala919Pro (PMID: 10445857; NM_020975.6:c.2755G>C in ClinVar). This protein change, p.Glu768Asp, has been detected in at least 8 unrelated individuals affected with MEN2 or medullary thyroid cancer, and it has been reported to segregate with disease; in one pedigree, the variant is observed with later onset clinical features than a traditional pathogenic RET variant and showed incomplete penetrance (PMID: 7845675, 9263528, 11238493, 15855933, 16736292, 17097365, 29656518). The p.Glu768Asp protein change is considered a moderate risk for medullary thyroid cancer by the American Thyroid Association (PMID: 25810047). This variant has not been identified in the general population by the Genome Aggregation Database (gnomAD). Based on the available evidence, this variant is classified as Likely Pathogenic.

This study involves interpretation of variants in research participants for the purpose of population health screening. Participant phenotype was not available at the time of variant classification. Additional details can be found in publication PMID: 35346344, PMCID: PMC8962531

Myriad Genetics, Inc.
Classification: Pathogenic for Multiple endocrine neoplasia type 2A. Last evaluated: 2023-03-22. Review status: criteria provided, single submitter. Criteria: Myriad Autosomal Dominant, Autosomal Recessive and X-Linked Classification Criteria (2023). Collection method: clinical testing. Allele origin: unknown.
Comment: This variant is considered pathogenic. This variant has been reported in multiple individuals with clinical features of gene-specific disease [PMID: 16736292, 9111992, 9263528, 12116277, 15855933, 25810047]. Functional studies indicate this variant impacts protein function [PMID: 32546069, 9242375].

Literature cited by the submitters: PubMed 7845675 (cited by All of Us Research Program, National Institutes of Health); PubMed 9242375 (cited by All of Us Research Program, National Institutes of Health and Myriad Genetics, Inc.); PubMed 9263528 (cited by All of Us Research Program, National Institutes of Health and Myriad Genetics, Inc.); PubMed 10445857 (cited by All of Us Research Program, National Institutes of Health); PubMed 11238493 (cited by All of Us Research Program, National Institutes of Health); PubMed 14715928 (cited by All of Us Research Program, National Institutes of Health); PubMed 15855933 (cited by All of Us Research Program, National Institutes of Health and Myriad Genetics, Inc.); PubMed 16736292 (cited by All of Us Research Program, National Institutes of Health and Myriad Genetics, Inc.); PubMed 17047083 (cited by All of Us Research Program, National Institutes of Health); PubMed 17097365 (cited by All of Us Research Program, National Institutes of Health); PubMed 25810047 (cited by All of Us Research Program, National Institutes of Health and Myriad Genetics, Inc.); PubMed 29656518 (cited by All of Us Research Program, National Institutes of Health); PubMed 9111992 (cited by Myriad Genetics, Inc.); PubMed 12116277 (cited by Myriad Genetics, Inc.); PubMed 32546069 (cited by Myriad Genetics, Inc.).

NM_020975.6(RET):c.2304_2307delinsCCTT (p.Glu768Asp)

Gene: RET (ret proto-oncogene; plus strand). Cytogenetic location: 10q11.21.
Variant type: Indel.
Coding change: c.2304_2307delinsCCTT on transcript NM_020975.6 (MANE Select); coding-DNA positions 2304 to 2307, GCTG replaced by CCTT.
Protein change: p.Glu768Asp; replaces glutamic acid 768 with aspartic acid.
Molecular consequence: missense variant.
Genome position (GRCh38, 1-based): chr10:43,118,392-43,118,395, GCTG replaced by CCTT. VCF-style: chr10-43118392-GCTG-CCTT. GRCh37 (hg19) VCF-style: chr10-43613840-GCTG-CCTT.
Other names: c.1407_1410delinsCCTT, p.Glu469Asp (NM_001406780.1, NM_001406781.1, NM_001406782.1 and 1 more transcripts); c.1278_1281delinsCCTT, p.Glu426Asp (NM_001406783.1, NM_001406786.1); c.1314_1317delinsCCTT, p.Glu438Asp (NM_001406784.1); c.2304_2307delGCTGinsCCTT, p.Glu768Asp (NM_000323.2, NM_020629.2); c.1542_1545delinsCCTT, p.Glu514Asp (NM_001355216.2); c.2304_2307delinsCCTT, p.Glu768Asp (NM_001406743.1, NM_001406744.1, NM_001406759.1 and 2 more transcripts); c.2175_2178delinsCCTT, p.Glu725Asp (NM_001406761.1, NM_001406762.1, NM_001406764.1); c.2169_2172delinsCCTT, p.Glu723Asp (NM_001406763.1, NM_001406765.1); and 11 more; short protein forms E285D, E333D, E373D, E424D, E426D, E429D, E438D, E469D.
Identifiers: ClinVar variation 2573246 (VCV002573246.2), dbSNP rs2538548922, ClinGen allele CA2580615458.